The following is an entry in ClinVar:

ClinVar aggregate classification (germline): Pathogenic. Review status: criteria provided, multiple submitters, no conflicts (2 of 4 stars). 6 submissions from 6 submitters: Pathogenic (5). 1 of the submissions does not count toward it. Last evaluated 2024-11-27.

Conditions:
Cardiovascular phenotype. Identifiers: MedGen CN230736.
Hypertrophic cardiomyopathy 1 (CMH1). Also called: Familial hypertrophic cardiomyopathy 1; MYH7-Related Familial Hypertrophic Cardiomyopathy. Identifiers: MedGen C3495498, MONDO:0008647, OMIM 192600.
Hypertrophic cardiomyopathy. Also called: HYPERTROPHIC MYOCARDIOPATHY. Identifiers: Orphanet 217569, MedGen C0007194, MeSH D002312, MONDO:0005045, HP:0001639.

Allele frequency attached by ClinVar (database versions not stated): gnomAD exomes below 0.00001; gnomAD 0.00001.
gnomAD v4.1: 2 of 1,614,070 alleles (0.00012%); highest among the groups gnomAD compares: Non-Finnish European, 0.00017%; no homozygotes.

Submissions (6):

3billion
Classification: Pathogenic for Hypertrophic cardiomyopathy 1. Last evaluated: 2024-11-27. Review status: criteria provided, single submitter. Criteria: ACMG Guidelines, 2015. Collection method: clinical testing. Allele origin: germline. Affected: yes.
Comment: The variant is observed at an extremely low frequency in the gnomAD v4.1.0 dataset (total allele frequency: <0.001%). Predicted Consequence/Location: The variant is located in a mutational hot spot and/or well-established functional domain in which established pathogenic variants have been reported (PMID: 29300372). Functional studies provide moderate evidence of the variant having a damaging effect on the gene or gene product (PMID: 9172070). In silico tool predictions suggest damaging effect of the variant on gene or gene product [REVEL: 0.95 (>=0.6, sensitivity 0.68 and specificity 0.92); 3Cnet: 0.97 (>=0.6, sensitivity 0.72 and precision 0.9)]. The same nucleotide change resulting in the same amino acid change has been previously reported as pathogenic/likely pathogenic with strong evidence (ClinVar ID: VCV000014099 /PMID: 8483915). The variant has been observed in at least two similarly affected unrelated individuals (PMID: 20031618, 8483915). Therefore, this variant is classified as Pathogenic according to the recommendation of ACMG/AMP guideline.

Labcorp Genetics (formerly Invitae), Labcorp
Classification: Pathogenic for Hypertrophic cardiomyopathy. Last evaluated: 2024-05-04. Review status: criteria provided, single submitter. Criteria: Invitae Variant Classification Sherloc (09022015). Collection method: clinical testing. Allele origin: germline.
Comment: This sequence change replaces glycine, which is neutral and non-polar, with glutamic acid, which is acidic and polar, at codon 256 of the MYH7 protein (p.Gly256Glu). This variant is not present in population databases (gnomAD no frequency). This missense change has been observed in individual(s) with hypertrophic cardiomyopathy (PMID: 8281650, 8483915, 18761664, 20031618, 27532257, 31006259). It has also been observed to segregate with disease in related individuals. ClinVar contains an entry for this variant (Variation ID: 14099). Advanced modeling of protein sequence and biophysical properties (such as structural, functional, and spatial information, amino acid conservation, physicochemical variation, residue mobility, and thermodynamic stability) performed at Invitae indicates that this missense variant is expected to disrupt MYH7 protein function with a positive predictive value of 95%. This variant is found within a region of MYH7 between codons 181 and 937 that contains the majority of the myosin head domain. Missense variants in this region have been shown to be significantly overrepresented in individuals with hypertrophic cardiomyopathy (PMID: 27532257). For these reasons, this variant has been classified as Pathogenic.

Ambry Genetics
Classification: Pathogenic for Cardiovascular phenotype. Last evaluated: 2022-10-05. Review status: criteria provided, single submitter. Criteria: Ambry Variant Classification Scheme 2023. Collection method: clinical testing. Allele origin: germline.
Comment: The p.G256E pathogenic mutation (also known as c.767G>A), located in coding exon 7 of the MYH7 gene, results from a G to A substitution at nucleotide position 767. The glycine at codon 256 is replaced by glutamic acid, an amino acid with similar properties. This alteration is located in the myosin head domain, which contains a statistically significant clustering of pathogenic missense variants (Homburger JR et al. Proc Natl Acad Sci U S A, 2016 06;113:6701-6; Walsh R et al. Genet Med, 2017 02;19:192-203; Ambry internal data). This alteration was detected in a large family with hypertrophic cardiomyopathy (HCM) and segregation with disease in numerous family members (Fananapazir L et al. Proc. Natl. Acad. Sci. U.S.A., 1993 May;90:3993-7; Fananapazir L et al. Circulation, 1994 Jan;89:22-32). This alteration has also been reported in HCM cohorts; however, clinical details were limited (Lopes LR et al. Heart, 2015 Feb;101:294-301; Walsh R et al. Genet. Med., 2017 02;19:192-203). Functional studies in soleus muscle cells with this alteration demonstrated slower movement of actin filaments compared to wild-type controls (Cuda G et al. J. Muscle Res. Cell. Motil., 1997 Jun;18:275-83). This variant is considered to be rare based on population cohorts in the Genome Aggregation Database (gnomAD). In addition, this alteration is predicted to be deleterious by BayesDel in silico analysis. Based on the supporting evidence, this alteration is interpreted as a disease-causing mutation.

GeneDx
Classification: Pathogenic. Last evaluated: 2020-08-07. Review status: criteria provided, single submitter. Criteria: GeneDx Variant Classification Process June 2021. Collection method: clinical testing. Allele origin: germline. Affected: yes.
Comment: Not observed in large population cohorts (Lek et al., 2016); Reported in ClinVar but additional evidence is not available (ClinVar Variant ID #14099; Landrum et al., 2016); Published in vitro functional studies demonstrate reduced muscle motility activity compared to controls (Cuda et al., 1997); In silico analysis supports that this missense variant has a deleterious effect on protein structure/function; This variant is associated with the following publications: (PMID: 20031618, 9172070, 8281650, 7883988, 7731997, 12473556, 8483915, 21310275, 27532257, 28166811, 31006259)

Laboratory for Molecular Medicine, Mass General Brigham Personalized Medicine
Classification: Pathogenic for Hypertrophic cardiomyopathy. Last evaluated: 2014-01-20. Review status: criteria provided, single submitter. Criteria: LMM Criteria. Collection method: clinical testing. Allele origin: germline. Observed: 1 variant allele.
Comment: proposed classification - variant undergoing re-assessment, contact laboratory

OMIM
Classification: Pathogenic for CARDIOMYOPATHY, FAMILIAL HYPERTROPHIC, 1. Last evaluated: 1993-05-01. Review status: no assertion criteria provided. Collection method: literature only. Allele origin: germline. Not counted in ClinVar's aggregate classification.

Literature cited by the submitters: PubMed 8483915 (cited by 5 submitters); PubMed 20031618 (cited by 3 submitters); PubMed 9172070 (cited by 3 submitters); PubMed 8281650 (cited by 3 submitters); PubMed 18761664 (cited by Labcorp Genetics (formerly Invitae), Labcorp); PubMed 27532257 (cited by Labcorp Genetics (formerly Invitae), Labcorp and Ambry Genetics); PubMed 31006259 (cited by Labcorp Genetics (formerly Invitae), Labcorp); PubMed 21310275 (cited by Ambry Genetics); PubMed 25351510 (cited by Ambry Genetics); PubMed 12473556 (cited by Laboratory for Molecular Medicine, Mass General Brigham Personalized Medicine); PubMed 7731997 (cited by Laboratory for Molecular Medicine, Mass General Brigham Personalized Medicine).

NM_000257.4(MYH7):c.767G>A (p.Gly256Glu)

Gene: MYH7 (myosin heavy chain 7; minus strand). Cytogenetic location: 14q11.2.
Variant type: single nucleotide variant.
Coding change: c.767G>A on transcript NM_000257.4 (MANE Select); coding-DNA position 767, G replaced by A.
Protein change: p.Gly256Glu; replaces glycine 256 with glutamic acid.
Molecular consequence: missense variant.
Genome position (GRCh38, 1-based): chr14:23,431,447, C>T on the plus strand (G>A on the coding strand, the complement: MYH7 is on the minus strand). VCF-style: chr14-23431447-C-T. GRCh37 (hg19) VCF-style: chr14-23900656-C-T.
Other names: p.G256E:GGA>GAA; short protein forms G256E.
Identifiers: ClinVar variation 14099 (VCV000014099.18), dbSNP rs121913633, ClinGen allele CA016810.